The following is an entry in ClinVar:

NM_001166108.2(PALLD):c.822C>T (p.Ile274=)

Gene: PALLD (palladin, cytoskeletal associated protein; plus strand). Cytogenetic location: 4q32.3.
Variant type: single nucleotide variant.
Coding change: c.822C>T on transcript NM_001166108.2 (MANE Select); coding-DNA position 822, C replaced by T.
Protein change: p.Ile274=; no amino-acid change (isoleucine 274 retained).
Molecular consequence: synonymous variant.
Genome position (GRCh38, 1-based): chr4:168,512,326, C>T. VCF-style: chr4-168512326-C-T. GRCh37 (hg19) VCF-style: chr4-169433477-C-T.
Other names: c.822C>T, p.Ile274= (NM_016081.4).
Identifiers: ClinVar variation 3050712 (VCV003050712.3), dbSNP rs776450294, ClinGen allele CA442256300.

ClinVar aggregate classification (germline): Likely benign. Review status: criteria provided, single submitter (1 of 4 stars). 2 submissions from 2 submitters: Likely benign (1). 1 of the submissions does not count toward it. Last evaluated 2023-09-20.

Conditions:
PALLD-related disorder. Also called: PALLD-related condition.

gnomAD v4.1: 3 of 1,614,198 alleles (0.00019%); highest among the groups gnomAD compares: Non-Finnish European, 0.00025%; no homozygotes.

Submissions (2):

Ambry Genetics
Classification: Likely benign. Last evaluated: 2023-09-20. Review status: criteria provided, single submitter. Criteria: Ambry Variant Classification Scheme 2023. Collection method: clinical testing. Allele origin: germline.

PreventionGenetics, part of Exact Sciences
Classification: Likely benign for PALLD-related condition. Last evaluated: 2019-07-23. Review status: no assertion criteria provided. Collection method: clinical testing. Allele origin: germline. Not counted in ClinVar's aggregate classification.
Comment: This variant is classified as likely benign based on ACMG/AMP sequence variant interpretation guidelines (Richards et al. 2015 PMID: 25741868, with internal and published modifications).